The following is an entry in ClinVar:

NM_000443.4(ABCB4):c.1224C>T (p.Asn408=)

Gene: ABCB4 (ATP binding cassette subfamily B member 4; minus strand). Cytogenetic location: 7q21.12.
Variant type: single nucleotide variant.
Coding change: c.1224C>T on transcript NM_000443.4 (MANE Select); coding-DNA position 1224, C replaced by T.
Protein change: p.Asn408=; no amino-acid change (asparagine 408 retained).
Molecular consequence: synonymous variant.
Genome position (GRCh38, 1-based): chr7:87,443,669, G>A on the plus strand (C>T on the coding strand, the complement: ABCB4 is on the minus strand). VCF-style: chr7-87443669-G-A. GRCh37 (hg19) VCF-style: chr7-87072985-G-A.
Other names: c.1224C>T, p.Asn408= (NM_018849.3, NM_018850.3).
Identifiers: ClinVar variation 4846565 (VCV004846565.1).
Genomic context (GRCh38, chr7:87,443,669, plus strand): 5'-ATGATTCAACAATCAACCTCAGTTAGGAATTCCTATAAATATTACTTACAGTACCTTGAC[G>A]TTAGCTCGAGAAGGGTAAGAAAAGTGAACATCATTGAACTCCAAATTCCCTTTGATGCTG-3'
Protein context (NP_000434.1, residues 398-418): DVHFSYPSRA[Asn408=]VKILKGLNLK

ClinVar aggregate classification (germline): Uncertain significance (1 of 4 stars; one submission).

Conditions:
Familial intrahepatic cholestasis. Identifiers: Orphanet 284385, MedGen CN296401, MONDO:0017290.
Low phospholipid associated cholelithiasis (GBD1). Also called: Gallbladder disease 1; Gallstone cholecystitis. Identifiers: Orphanet 69663, MedGen C2609268, MONDO:0010939, OMIM 600803.

gnomAD v4.1: 4 of 1,612,658 alleles (0.00025%); highest among the groups gnomAD compares: South Asian, 0.0011%; no homozygotes.

Submission:

Genomenon, Inc
Classification: Uncertain significance for Familial intrahepatic cholestasis; Low phospholipid associated cholelithiasis. Last evaluated: 2026-04-14. Review status: criteria provided, single submitter. Criteria: Genomenon Sequence Variant Interpretation Standards - Updated. Collection method: curation. Allele origin: germline. Affected: no.
Comment: ABCB4 c.1224C>T is a synonymous variant that retains Asparagine at residue 408. This variant has been reported in the published literature (PMID:30079523). It is absent or not present at a significant frequency in gnomAD. In silico models predict that this variant is possibly or probably damaging. In conclusion, we classify ABCB4 p.Asn408= (c.1224C>T) as a variant of uncertain significance.

Literature cited by the submitters: PubMed 30079523.